The following is an entry in ClinVar:

ClinVar aggregate classification (germline): Uncertain significance (1 of 4 stars; one submission).

Conditions:
ADCY3-related disorder. Also called: ADCY3-related condition.

Allele frequency attached by ClinVar (database versions not stated): ExAC 0.00002.
gnomAD v4.1: 26 of 1,614,086 alleles (0.0016%); highest among the groups gnomAD compares: South Asian, 0.0055%; no homozygotes.

Submission:

PreventionGenetics, part of Exact Sciences
Classification: Uncertain significance for ADCY3-related condition. Last evaluated: 2023-09-14. Review status: criteria provided, single submitter. Criteria: ACMG Guidelines, 2015. Collection method: clinical testing. Allele origin: germline.
Comment: The ADCY3 c.754C>T variant is predicted to result in the amino acid substitution p.Arg252Cys. To our knowledge, this variant has not been reported in the literature. This variant is reported in 0.0062% of alleles in individuals of African descent in gnomAD. At this time, the clinical significance of this variant is uncertain due to the absence of conclusive functional and genetic evidence.

NM_004036.5(ADCY3):c.754C>T (p.Arg252Cys)

Gene: ADCY3 (adenylate cyclase 3; minus strand). Cytogenetic location: 2p23.3.
Variant type: single nucleotide variant.
Coding change: c.754C>T on transcript NM_004036.5 (MANE Select); coding-DNA position 754, C replaced by T.
Protein change: p.Arg252Cys; replaces arginine 252 with cysteine.
Molecular consequence: missense variant.
Genome position (GRCh38, 1-based): chr2:24,872,641, G>A on the plus strand (C>T on the coding strand, the complement: ADCY3 is on the minus strand). VCF-style: chr2-24872641-G-A. GRCh37 (hg19) VCF-style: chr2-25095510-G-A.
Other names: c.754C>T, p.Arg252Cys (NM_001320613.2, NM_001377128.1, NM_001377129.1 and 2 more transcripts); c.31C>T, p.Arg11Cys (NM_001377131.1); short protein forms R11C, R252C.
Identifiers: ClinVar variation 2634098 (VCV002634098.1), dbSNP rs757628600, ClinGen allele CA1554412.